The following is an entry in ClinVar:

NM_001844.5(COL2A1):c.4317+10G>A

Gene: COL2A1 (collagen type II alpha 1 chain; minus strand). Cytogenetic location: 12q13.11.
Variant type: single nucleotide variant.
Coding change: c.4317+10G>A on transcript NM_001844.5 (MANE Select); 10 bases into the intron after coding-DNA position 4317, G replaced by A.
Molecular consequence: intron variant.
Genome position (GRCh38, 1-based): chr12:47,974,079, C>T on the plus strand (G>A on the coding strand, the complement: COL2A1 is on the minus strand). VCF-style: chr12-47974079-C-T. GRCh37 (hg19) VCF-style: chr12-48367862-C-T.
Other names: c.4317+10G>A (NM_001844.4); c.4110+10G>A (NM_033150.3).
Identifiers: ClinVar variation 2744773 (VCV002744773.5), dbSNP rs1339862998, ClinGen allele CA604848113.
Genomic context (GRCh38, chr12:47,974,079, plus strand): 5'-GGGCCAACCCTCAGCCCTGCTCCAGGCGGTTTGGGCACAGGCAGCTCTTCTCTCTGGCAG[C>T]CCCACTCACCGTGCAGCCATCCTTCAGGGCAGTGTACGTGAACCTGCTATTGCCCTCTGC-3'

ClinVar aggregate classification (germline): Likely benign. Review status: criteria provided, single submitter (1 of 4 stars). 2 submissions from 2 submitters: Likely benign (1). 1 of the submissions does not count toward it. Last evaluated 2023-08-03.

Conditions:
COL2A1-related disorder. Also called: COL2A1-related condition; COL2A1-related disorders.

Allele frequency attached by ClinVar (database versions not stated): gnomAD exomes 0.00001.
gnomAD v4.1: 3 of 1,614,194 alleles (0.00019%); highest among the groups gnomAD compares: South Asian, 0.0033%; no homozygotes.

Submissions (2):

Labcorp Genetics (formerly Invitae), Labcorp
Classification: Likely benign. Last evaluated: 2023-08-03. Review status: criteria provided, single submitter. Criteria: Invitae Variant Classification Sherloc (09022015). Collection method: clinical testing. Allele origin: germline.

PreventionGenetics, part of Exact Sciences
Classification: Likely benign for COL2A1-related condition. Last evaluated: 2023-02-07. Review status: no assertion criteria provided. Collection method: clinical testing. Allele origin: germline. Not counted in ClinVar's aggregate classification.
Comment: This variant is classified as likely benign based on ACMG/AMP sequence variant interpretation guidelines (Richards et al. 2015 PMID: 25741868, with internal and published modifications).